The following is an entry in ClinVar:

ClinVar aggregate classification (germline): Pathogenic (1 of 4 stars; one submission).

Conditions:
Spermatogenic failure, Y-linked, 2 (SPGFY2). Also called: SPERMATOGENIC ARREST, Y-LINKED; AZOOSPERMIA, NONOBSTRUCTIVE, Y-LINKED; SPERMATOGENIC FAILURE, NONOBSTRUCTIVE, Y-LINKED; OLIGOSPERMIA, NONOBSTRUCTIVE, Y-LINKED; OLIGOZOOSPERMIA, NONOBSTRUCTIVE, Y-LINKED. Identifiers: Orphanet 1646, MedGen C1839071, MONDO:0010767, OMIM 415000. Disease mechanism: loss of function.

Submission:

Institute of Immunology and Genetics Kaiserslautern
Classification: Pathogenic for Spermatogenic failure, Y-linked, 2. Last evaluated: 2026-04-15. Review status: criteria provided, single submitter. Criteria: ACMG Guidelines, 2015. Collection method: clinical testing. Allele origin: germline. Affected: yes.
Comment: ACMG Criteria: PVS1, PM2; Variant was found in hemizygous state.

NM_004654.4(USP9Y):c.5570_5571del (p.Asn1857fs)

Gene: USP9Y (ubiquitin specific peptidase 9 Y-linked; plus strand). Cytogenetic location: Yq11.221.
Variant type: Deletion.
Coding change: c.5570_5571del on transcript NM_004654.4 (MANE Select); coding-DNA positions 5570 to 5571, 2 bases deleted (AT; older notation c.5570_5571delAT).
Protein change: p.Asn1857fs; shifts the reading frame from asparagine 1857.
Molecular consequence: frameshift variant.
Genome position (GRCh38, 1-based): chrY:12,840,096-12,840,097, AT deleted. VCF-style (leftmost placement, unchanged base first): chrY-12840095-AAT-A. GRCh37 (hg19) VCF-style: chrY-14952021-AAT-A.
Other names: short protein forms N1857fs.
Identifiers: ClinVar variation 4851433 (VCV004851433.1).